The following is an entry in ClinVar:

ClinVar aggregate classification (germline): Uncertain significance. Review status: criteria provided, multiple submitters, no conflicts (2 of 4 stars). 3 submissions from 3 submitters: Uncertain significance (2). 1 of the submissions does not count toward it. Last evaluated 2024-06-22.

Conditions:
Autosomal recessive cutis laxa type 2D. Also called: CUTIS LAXA, AUTOSOMAL RECESSIVE, TYPE IID. Identifiers: MedGen C4479409, MONDO:0027451, OMIM 617403.

Allele frequency attached by ClinVar (database versions not stated): gnomAD exomes below 0.00001.
gnomAD v4.1: 6 of 1,613,302 alleles (0.00037%); highest among the groups gnomAD compares: South Asian, 0.0011%; no homozygotes.

Submissions (3):

Labcorp Genetics (formerly Invitae), Labcorp
Classification: Uncertain significance. Last evaluated: 2024-06-22. Review status: criteria provided, single submitter. Criteria: Invitae Variant Classification Sherloc (09022015). Collection method: clinical testing. Allele origin: germline.
Comment: This sequence change replaces arginine, which is basic and polar, with cysteine, which is neutral and slightly polar, at codon 338 of the ATP6V1A protein (p.Arg338Cys). This variant is present in population databases (no rsID available, gnomAD 0.0009%). This missense change has been observed in individual(s) with autosomal recessive cutis laxa (PMID: 28065471). ClinVar contains an entry for this variant (Variation ID: 417772). Advanced modeling of protein sequence and biophysical properties (such as structural, functional, and spatial information, amino acid conservation, physicochemical variation, residue mobility, and thermodynamic stability) performed at Invitae indicates that this missense variant is expected to disrupt ATP6V1A protein function with a positive predictive value of 80%. In summary, the available evidence is currently insufficient to determine the role of this variant in disease. Therefore, it has been classified as a Variant of Uncertain Significance.

Revvity Omics, Revvity
Classification: Uncertain significance. Last evaluated: 2021-04-07. Review status: criteria provided, single submitter. Criteria: ACMG Guidelines, 2015. Collection method: clinical testing. Allele origin: germline.

OMIM
Classification: Pathogenic for CUTIS LAXA, AUTOSOMAL RECESSIVE, TYPE IID. Last evaluated: 2017-03-27. Review status: no assertion criteria provided. Collection method: literature only. Allele origin: germline. Not counted in ClinVar's aggregate classification.

Literature cited by the submitters: PubMed 28065471 (cited by Labcorp Genetics (formerly Invitae), Labcorp and OMIM); PubMed 24459010 (cited by OMIM).

NM_001690.4(ATP6V1A):c.1012C>T (p.Arg338Cys)

Gene: ATP6V1A (ATPase H+ transporting V1 subunit A; plus strand). Cytogenetic location: 3q13.31.
Variant type: single nucleotide variant.
Coding change: c.1012C>T on transcript NM_001690.4 (MANE Select); coding-DNA position 1012, C replaced by T.
Protein change: p.Arg338Cys; replaces arginine 338 with cysteine.
Molecular consequence: missense variant.
Genome position (GRCh38, 1-based): chr3:113,794,895, C>T. VCF-style: chr3-113794895-C-T. GRCh37 (hg19) VCF-style: chr3-113513742-C-T.
Other names: short protein forms R338C.
Identifiers: ClinVar variation 417772 (VCV000417772.7), dbSNP rs1060505036, ClinGen allele CA16616873.